The following is an entry in ClinVar:

ClinVar aggregate classification (germline): Uncertain significance (1 of 4 stars; one submission).

Allele frequency attached by ClinVar (database versions not stated): gnomAD 0.00002; TOPMed 0.00002.
gnomAD v4.1: 4 of 1,614,126 alleles (0.00025%); highest among the groups gnomAD compares: African/African-American, 0.004%; no homozygotes.

Submission:

Labcorp Genetics (formerly Invitae), Labcorp
Classification: Uncertain significance. Last evaluated: 2022-08-23. Review status: criteria provided, single submitter. Criteria: Invitae Variant Classification Sherloc (09022015). Collection method: clinical testing. Allele origin: germline.
Comment: This sequence change replaces leucine, which is neutral and non-polar, with glutamine, which is neutral and polar, at codon 1628 of the MCM3AP protein (p.Leu1628Gln). This variant is not present in population databases (gnomAD no frequency). This variant has not been reported in the literature in individuals affected with MCM3AP-related conditions. ClinVar contains an entry for this variant (Variation ID: 1355039). Algorithms developed to predict the effect of missense changes on protein structure and function are either unavailable or do not agree on the potential impact of this missense change (SIFT: "Deleterious"; PolyPhen-2: "Probably Damaging"; Align-GVGD: "Class C0"). Algorithms developed to predict the effect of sequence changes on RNA splicing suggest that this variant may create or strengthen a splice site. In summary, the available evidence is currently insufficient to determine the role of this variant in disease. Therefore, it has been classified as a Variant of Uncertain Significance.

NM_003906.5(MCM3AP):c.4883T>A (p.Leu1628Gln)

Genes: MCM3AP (minichromosome maintenance complex component 3 associated protein; minus strand), MCM3AP-AS1 (MCM3AP antisense RNA 1; plus strand). Cytogenetic location: 21q22.3.
Variant type: single nucleotide variant.
Coding change: c.4883T>A on transcript NM_003906.5 (MANE Select); coding-DNA position 4883, T replaced by A.
Protein change: p.Leu1628Gln; replaces leucine 1628 with glutamine.
Molecular consequence: missense variant.
Genome position (GRCh38, 1-based): chr21:46,244,962, A>T on the plus strand (T>A on the coding strand, the complement: MCM3AP is on the minus strand). VCF-style: chr21-46244962-A-T. GRCh37 (hg19) VCF-style: chr21-47664876-A-T.
Other names: short protein forms L1628Q.
Identifiers: ClinVar variation 1355039 (VCV001355039.3), dbSNP rs897757704, ClinGen allele CA321977628.
Genomic context (GRCh38, chr21:46,244,962, plus strand): 5'-GGAAGCAGCCGGCTGCCCCCTGCCTCAGCAAACTCAGTGACAGGCCAGGACAGGTCACAC[A>T]GCTGTTCAGAGGACACCACAGAAGCCAGGAACTGCAGCACACTGTTAAACAGCTCAATGA-3'
Protein context (NP_003897.2, residues 1618-1638): FLASVVSSEQ[Leu1628Gln]CDLSWPVTEF